The following is an entry in ClinVar:

NM_012414.4(RAB3GAP2):c.745C>T (p.Pro249Ser)

Gene: RAB3GAP2 (RAB3 GTPase activating non-catalytic protein subunit 2; minus strand). Cytogenetic location: 1q41.
Variant type: single nucleotide variant.
Coding change: c.745C>T on transcript NM_012414.4 (MANE Select); coding-DNA position 745, C replaced by T.
Protein change: p.Pro249Ser; replaces proline 249 with serine.
Molecular consequence: missense variant.
Genome position (GRCh38, 1-based): chr1:220,202,342, G>A on the plus strand (C>T on the coding strand, the complement: RAB3GAP2 is on the minus strand). VCF-style: chr1-220202342-G-A. GRCh37 (hg19) VCF-style: chr1-220375684-G-A.
Other names: short protein forms P249S.
Identifiers: ClinVar variation 2062743 (VCV002062743.4), dbSNP rs749486860, ClinGen allele CA1402911.

ClinVar aggregate classification (germline): Uncertain significance (1 of 4 stars; one submission).

Conditions:
Martsolf syndrome (MARTS). Also called: Congenital cataract with intellectual disability and hypogonadotropic hypogonadism syndrome. Identifiers: Orphanet 1387, MedGen C0796037, MONDO:0023910.
Warburg micro syndrome 2 (WARBM2). Also called: MICRO SYNDROME 2. Identifiers: Orphanet 2510, MedGen C3280214, MONDO:0013641, OMIM 614225.

Allele frequency attached by ClinVar (database versions not stated): ExAC 0.00001; TOPMed 0.00001.
gnomAD v4.1: 10 of 1,613,688 alleles (0.00062%); highest among the groups gnomAD compares: Admixed American, 0.0033%; no homozygotes.

Submission:

Labcorp Genetics (formerly Invitae), Labcorp
Classification: Uncertain significance for Martsolf syndrome; Warburg micro syndrome 2. Last evaluated: 2023-11-27. Review status: criteria provided, single submitter. Criteria: Invitae Variant Classification Sherloc (09022015). Collection method: clinical testing. Allele origin: germline.
Comment: This sequence change replaces proline, which is neutral and non-polar, with serine, which is neutral and polar, at codon 249 of the RAB3GAP2 protein (p.Pro249Ser). This variant is present in population databases (rs749486860, gnomAD 0.003%). This variant has not been reported in the literature in individuals affected with RAB3GAP2-related conditions. ClinVar contains an entry for this variant (Variation ID: 2062743). Advanced modeling of protein sequence and biophysical properties (such as structural, functional, and spatial information, amino acid conservation, physicochemical variation, residue mobility, and thermodynamic stability) has been performed at Invitae for this missense variant, however the output from this modeling did not meet the statistical confidence thresholds required to predict the impact of this variant on RAB3GAP2 protein function. In summary, the available evidence is currently insufficient to determine the role of this variant in disease. Therefore, it has been classified as a Variant of Uncertain Significance.